The following is an entry in ClinVar:

NM_000135.4(FANCA):c.2384G>A (p.Arg795Lys)

Gene: FANCA (FA complementation group A; minus strand). Cytogenetic location: 16q24.3.
Variant type: single nucleotide variant.
Coding change: c.2384G>A on transcript NM_000135.4 (MANE Select); coding-DNA position 2384, G replaced by A.
Protein change: p.Arg795Lys; replaces arginine 795 with lysine.
Molecular consequence: missense variant.
Genome position (GRCh38, 1-based): chr16:89,769,957, C>T on the plus strand (G>A on the coding strand, the complement: FANCA is on the minus strand). VCF-style: chr16-89769957-C-T. GRCh37 (hg19) VCF-style: chr16-89836365-C-T.
Other names: c.2384G>A, p.Arg795Lys (NM_001286167.3); short protein forms R795K.
Identifiers: ClinVar variation 3581507 (VCV003581507.2).

ClinVar aggregate classification (germline): Uncertain significance. Review status: criteria provided, multiple submitters, no conflicts (2 of 4 stars). 2 submissions from 2 submitters: Uncertain significance (2). Last evaluated 2026-07-12.

Conditions:
Fanconi anemia complementation group A (FANCA). Also called: Fanconi anemia, group A; FANCA-Related Fanconi Anemia. Identifiers: Orphanet 84, MedGen C3469521, MONDO:0009215, OMIM 227650.
Inborn genetic diseases. Identifiers: MedGen C0950123, MeSH D030342.

Submissions (2):

Ambry Genetics
Classification: Uncertain significance for Inborn genetic diseases. Last evaluated: 2026-07-12. Review status: criteria provided, single submitter. Criteria: Ambry Variant Classification Scheme 2023. Collection method: clinical testing. Allele origin: germline.
Comment: The p.R795K variant (also known as c.2384G>A), located in coding exon 26 of the FANCA gene, results from a G to A substitution at nucleotide position 2384. The arginine at codon 795 is replaced by lysine, an amino acid with highly similar properties. This amino acid position is conserved. In addition, this alteration is predicted to be tolerated by in silico analysis. Based on the available evidence, the clinical significance of this variant remains unclear.

Fulgent Genetics
Classification: Uncertain significance for Fanconi anemia complementation group A. Last evaluated: 2023-12-24. Review status: criteria provided, single submitter. Criteria: ACMG Guidelines, 2015. Collection method: clinical testing. Allele origin: germline.